The following is an entry in ClinVar:

NM_000136.3(FANCC):c.1552A>G (p.Ile518Val)

Genes: FANCC (FA complementation group C; minus strand), AOPEP (aminopeptidase O (putative); plus strand). Cytogenetic location: 9q22.32.
Variant type: single nucleotide variant.
Coding change: c.1552A>G on transcript NM_000136.3 (MANE Select); coding-DNA position 1552, A replaced by G.
Protein change: p.Ile518Val; replaces isoleucine 518 with valine.
Molecular consequence: missense variant.
Genome position (GRCh38, 1-based): chr9:95,101,832, T>C on the plus strand (A>G on the coding strand, the complement: FANCC is on the minus strand). VCF-style: chr9-95101832-T-C. GRCh37 (hg19) VCF-style: chr9-97864114-T-C.
Other names: c.1552A>G, p.Ile518Val (NM_001243743.2); short protein forms I518V.
Identifiers: ClinVar variation 2450926 (VCV002450926.2), dbSNP rs2540750852, ClinGen allele CA374104791.

ClinVar aggregate classification (germline): Uncertain significance (1 of 4 stars; one submission).

Conditions:
Hereditary cancer-predisposing syndrome. Also called: Neoplastic Syndromes, Hereditary; Tumor predisposition; Hereditary neoplastic syndrome; Hereditary Cancer Syndrome. Identifiers: Orphanet 140162, MedGen C0027672, MeSH D009386, MONDO:0015356.

Submission:

Ambry Genetics
Classification: Uncertain significance for Hereditary cancer-predisposing syndrome. Last evaluated: 2022-12-24. Review status: criteria provided, single submitter. Criteria: Ambry Variant Classification Scheme 2023. Collection method: clinical testing. Allele origin: germline.
Comment: The p.I518V variant (also known as c.1552A>G), located in coding exon 14 of the FANCC gene, results from an A to G substitution at nucleotide position 1552. The isoleucine at codon 518 is replaced by valine, an amino acid with highly similar properties. This amino acid position is conserved. In addition, this alteration is predicted to be tolerated by in silico analysis. Since supporting evidence is limited at this time, the clinical significance of this alteration remains unclear.